The following is an entry in ClinVar:

NM_001291303.3(FAT4):c.14891A>G (p.Glu4964Gly)

Gene: FAT4 (FAT atypical cadherin 4; plus strand). Cytogenetic location: 4q28.1.
Variant type: single nucleotide variant.
Coding change: c.14891A>G on transcript NM_001291303.3 (MANE Select); coding-DNA position 14891, A replaced by G.
Protein change: p.Glu4964Gly; replaces glutamic acid 4964 with glycine.
Molecular consequence: missense variant.
Genome position (GRCh38, 1-based): chr4:125,491,707, A>G. VCF-style: chr4-125491707-A-G. GRCh37 (hg19) VCF-style: chr4-126412862-A-G.
Other names: c.14888A>G, p.Glu4963Gly (NM_001291285.3); c.14885A>G, p.Glu4962Gly (NM_024582.6); short protein forms E4962G, E4963G, E4964G.
Identifiers: ClinVar variation 3637035 (VCV003637035.2).

ClinVar aggregate classification (germline): Uncertain significance (1 of 4 stars; one submission).

Submission:

Labcorp Genetics (formerly Invitae), Labcorp
Classification: Uncertain significance. Last evaluated: 2025-05-29. Review status: criteria provided, single submitter. Criteria: Invitae Variant Classification Sherloc (09022015). Collection method: clinical testing. Allele origin: germline.
Comment: This sequence change replaces glutamic acid, which is acidic and polar, with glycine, which is neutral and non-polar, at codon 4962 of the FAT4 protein (p.Glu4962Gly). This variant is not present in population databases (gnomAD no frequency). This variant has not been reported in the literature in individuals affected with FAT4-related conditions. ClinVar contains an entry for this variant (Variation ID: 3637035). Invitae Evidence Modeling of protein sequence and biophysical properties (such as structural, functional, and spatial information, amino acid conservation, physicochemical variation, residue mobility, and thermodynamic stability) indicates that this missense variant is not expected to disrupt FAT4 protein function with a negative predictive value of 95%. In summary, the available evidence is currently insufficient to determine the role of this variant in disease. Therefore, it has been classified as a Variant of Uncertain Significance.